The following is an entry in ClinVar:

ClinVar aggregate classification (germline): Uncertain significance (1 of 4 stars; one submission).

Conditions:
Intellectual developmental disorder, autosomal dominant 1. Also called: Intellectual disability, autosomal dominant 1; MBD5 Haploinsufficiency. Identifiers: Orphanet 228402, MedGen C1969562, MONDO:0007974, OMIM 156200.

Submission:

Labcorp Genetics (formerly Invitae), Labcorp
Classification: Uncertain significance for Intellectual developmental disorder, autosomal dominant 1. Last evaluated: 2019-10-23. Review status: criteria provided, single submitter. Criteria: Invitae Variant Classification Sherloc (09022015). Collection method: clinical testing. Allele origin: germline.
Comment: This sequence change replaces aspartic acid with asparagine at codon 362 of the MBD5 protein (p.Asp362Asn). The aspartic acid residue is highly conserved and there is a small physicochemical difference between aspartic acid and asparagine. This variant is not present in population databases (ExAC no frequency). This variant has not been reported in the literature in individuals with MBD5-related conditions. Algorithms developed to predict the effect of missense changes on protein structure and function are either unavailable or do not agree on the potential impact of this missense change (SIFT: "Deleterious"; PolyPhen-2: "Possibly Damaging"; Align-GVGD: "Class C15"). In summary, the available evidence is currently insufficient to determine the role of this variant in disease. Therefore, it has been classified as a Variant of Uncertain Significance.

NM_001378120.1(MBD5):c.1084G>A (p.Asp362Asn)

Gene: MBD5 (methyl-CpG binding domain protein 5; plus strand). Cytogenetic location: 2q23.1.
Variant type: single nucleotide variant.
Coding change: c.1084G>A on transcript NM_001378120.1 (MANE Select); coding-DNA position 1084, G replaced by A.
Protein change: p.Asp362Asn; replaces aspartic acid 362 with asparagine.
Molecular consequence: missense variant.
Genome position (GRCh38, 1-based): chr2:148,469,027, G>A. VCF-style: chr2-148469027-G-A. GRCh37 (hg19) VCF-style: chr2-149226596-G-A.
Other names: c.1084G>A, p.Asp362Asn (NM_018328.5); short protein forms D362N.
Identifiers: ClinVar variation 968962 (VCV000968962.10), dbSNP rs1335443686, ClinGen allele CA348718339.